The following is an entry in ClinVar:

ClinVar aggregate classification (germline): Likely benign (1 of 4 stars; one submission).

Submission:

CeGaT Center for Human Genetics Tuebingen
Classification: Likely benign. Last evaluated: 2026-08-01. Review status: criteria provided, single submitter. Criteria: CeGaT Center For Human Genetics Tuebingen Variant Classification Criteria Version 2. Collection method: clinical testing. Allele origin: germline. Affected: yes. Observed: 1 variant allele.
Comment: DPYSL2: PM2:Supporting, BP4, BP7

NM_001197293.3(DPYSL2):c.1290C>T (p.Asp430=)

Gene: DPYSL2 (dihydropyrimidinase like 2; plus strand). Cytogenetic location: 8p21.2.
Variant type: single nucleotide variant.
Coding change: c.1290C>T on transcript NM_001197293.3 (MANE Select); coding-DNA position 1290, C replaced by T.
Protein change: p.Asp430=; no amino-acid change (aspartic acid 430 retained).
Molecular consequence: synonymous variant.
Genome position (GRCh38, 1-based): chr8:26,643,956, C>T. VCF-style: chr8-26643956-C-T. GRCh37 (hg19) VCF-style: chr8-26501472-C-T.
Other names: c.867C>T, p.Asp289= (NM_001244604.2); c.975C>T, p.Asp325= (NM_001386.6).
Identifiers: ClinVar variation 5040496 (VCV005040496.1).